The following is an entry in ClinVar:

ClinVar aggregate classification (germline): Benign/Likely benign. Review status: criteria provided, multiple submitters, no conflicts (2 of 4 stars). 3 submissions from 3 submitters: Benign (1); Likely benign (2). Last evaluated 2025-12-14.

Conditions:
Hereditary cancer-predisposing syndrome. Also called: Tumor predisposition; Hereditary Cancer Syndrome; Hereditary neoplastic syndrome; Neoplastic Syndromes, Hereditary. Identifiers: Orphanet 140162, MedGen C0027672, MeSH D009386, MONDO:0015356.
Tuberous sclerosis 1 (TSC1). Identifiers: Orphanet 805, MedGen C1854465, MONDO:0008612, OMIM 191100.

Allele frequency attached by ClinVar (database versions not stated): TOPMed below 0.00001.

Submissions (3):

Labcorp Genetics (formerly Invitae), Labcorp
Classification: Likely benign for Tuberous sclerosis 1. Last evaluated: 2025-12-14. Review status: criteria provided, single submitter. Criteria: Invitae Variant Classification Sherloc (09022015). Collection method: clinical testing. Allele origin: germline.

Myriad Genetics, Inc.
Classification: Benign for Tuberous sclerosis 1. Last evaluated: 2025-04-10. Review status: criteria provided, single submitter. Criteria: Myriad Autosomal Dominant, Autosomal Recessive and X-Linked Classification Criteria (2023). Collection method: clinical testing. Allele origin: unknown.
Comment: This variant is considered benign. This variant is a silent/synonymous amino acid change and it is not expected to impact splicing.

Ambry Genetics
Classification: Likely benign for Hereditary cancer-predisposing syndrome. Last evaluated: 2022-08-07. Review status: criteria provided, single submitter. Criteria: Ambry Variant Classification Scheme 2023. Collection method: clinical testing. Allele origin: germline.

NM_000368.5(TSC1):c.1614C>T (p.Ser538=)

Gene: TSC1 (TSC complex subunit 1; minus strand). Cytogenetic location: 9q34.13.
Variant type: single nucleotide variant.
Coding change: c.1614C>T on transcript NM_000368.5 (MANE Select); coding-DNA position 1614, C replaced by T.
Protein change: p.Ser538=; no amino-acid change (serine 538 retained).
Molecular consequence: synonymous variant.
Genome position (GRCh38, 1-based): chr9:132,905,964, G>A on the plus strand (C>T on the coding strand, the complement: TSC1 is on the minus strand). VCF-style: chr9-132905964-G-A. GRCh37 (hg19) VCF-style: chr9-135781351-G-A.
Other names: c.1611C>T, p.Ser537= (NM_001162426.2); c.1461C>T, p.Ser487= (NM_001162427.2); c.1251C>T, p.Ser417= (NM_001362177.2).
Identifiers: ClinVar variation 237702 (VCV000237702.15), dbSNP rs878853961, ClinGen allele CA10582629.